The following is an entry in ClinVar:

ClinVar aggregate classification (germline): Pathogenic/Likely pathogenic. Review status: criteria provided, multiple submitters, no conflicts (2 of 4 stars). 2 submissions from 2 submitters: Pathogenic (1); Likely pathogenic (1). Last evaluated 2024-02-21.

Conditions:
Cohen syndrome (COH1). Also called: Cutis verticis gyrata, retinitis pigmentosa, and sensorineural deafness; PEPPER SYNDROME. Identifiers: Orphanet 193, MedGen C0265223, MONDO:0008999, OMIM 216550.

Allele frequency attached by ClinVar (database versions not stated): gnomAD exomes below 0.00001.
gnomAD v4.1: 3 of 1,613,976 alleles (0.00019%); highest among the groups gnomAD compares: Non-Finnish European, 0.00025%; no homozygotes.

Submissions (2):

Fulgent Genetics
Classification: Likely pathogenic for Cohen syndrome. Last evaluated: 2024-02-21. Review status: criteria provided, single submitter. Criteria: ACMG Guidelines, 2015. Collection method: clinical testing. Allele origin: germline.

Labcorp Genetics (formerly Invitae), Labcorp
Classification: Pathogenic for Cohen syndrome. Last evaluated: 2023-12-24. Review status: criteria provided, single submitter. Criteria: Invitae Variant Classification Sherloc (09022015). Collection method: clinical testing. Allele origin: germline.
Comment: This sequence change creates a premature translational stop signal (p.Gln2407*) in the VPS13B gene. It is expected to result in an absent or disrupted protein product. Loss-of-function variants in VPS13B are known to be pathogenic (PMID: 15141358, 16648375, 20461111). This variant is not present in population databases (gnomAD no frequency). This variant has not been reported in the literature in individuals affected with VPS13B-related conditions. For these reasons, this variant has been classified as Pathogenic.

Literature cited by the submitters: PubMed 15141358 (cited by Labcorp Genetics (formerly Invitae), Labcorp); PubMed 16648375 (cited by Labcorp Genetics (formerly Invitae), Labcorp); PubMed 20461111 (cited by Labcorp Genetics (formerly Invitae), Labcorp).

NM_152564.5(VPS13B):c.7144C>T (p.Gln2382Ter)

Gene: VPS13B (vacuolar protein sorting 13 homolog B; plus strand). Cytogenetic location: 8q22.2.
Variant type: single nucleotide variant.
Coding change: c.7144C>T on transcript NM_152564.5 (MANE Select); coding-DNA position 7144, C replaced by T.
Protein change: p.Gln2382Ter; replaces glutamine 2382 with a stop codon.
Molecular consequence: nonsense.
Genome position (GRCh38, 1-based): chr8:99,766,867, C>T. VCF-style: chr8-99766867-C-T. GRCh37 (hg19) VCF-style: chr8-100779095-C-T.
Other names: c.7219C>T, p.Gln2407Ter (NM_017890.5); short protein forms Q2382*, Q2407*.
Identifiers: ClinVar variation 2705234 (VCV002705234.4), dbSNP rs2491774358, ClinGen allele CA371874261.